The following is an entry in ClinVar:

ClinVar aggregate classification (germline): Uncertain significance (1 of 4 stars; one submission).

Submission:

GeneDx
Classification: Uncertain significance. Last evaluated: 2025-02-11. Review status: criteria provided, single submitter. Criteria: GeneDx Variant Classification Process June 2021. Collection method: clinical testing. Allele origin: germline. Affected: yes.
Comment: Not observed at significant frequency in large population cohorts (gnomAD); Has not been previously published as pathogenic or benign to our knowledge; Frameshift variant predicted to result in abnormal protein length as the last 117 amino acids are replaced with 11 different amino acids with an unclear effect on protein function

NM_001371727.1(GABRB2):c.1183_1184dup (p.Tyr396fs)

Gene: GABRB2 (gamma-aminobutyric acid type A receptor subunit beta2; minus strand). Cytogenetic location: 5q34.
Variant type: Microsatellite.
Coding change: c.1183_1184dup on transcript NM_001371727.1 (MANE Select); coding-DNA positions 1183 to 1184, 2 bases duplicated (CT; older notation c.1183_1184dupCT).
Protein change: p.Tyr396fs; shifts the reading frame from tyrosine 396.
Molecular consequence: frameshift variant. On other transcripts: intron variant (1).
Genome position (GRCh38, 1-based): chr5:161,326,375-161,326,376, AG duplicated on the plus strand (CT on the coding strand, the reverse complement: GABRB2 is on the minus strand); duplicating any 2 consecutive bases within chr5:161,326,375-161,326,381 gives the same sequence; the c. name uses the placement nearest the transcript's 3' end. VCF-style (leftmost placement, unchanged base first): chr5-161326374-C-CAG. GRCh37 (hg19) VCF-style: chr5-160753381-C-CAG.
Other names: c.1183_1184dup, p.Tyr396fs (NM_021911.3); c.1077+4503CT[4] (NM_000813.3); short protein forms Y396fs.
Identifiers: ClinVar variation 4074323 (VCV004074323.1).
Genomic context (GRCh38, chr5:161,326,374, plus strand): 5'-CAAATTGGCCCCAACAGAAATACAAATAAATGGATTAAAAACTGGCTATCTAACCGTATA[C>CAG]AGAGAGAAATCGTAATTGGTAGTCCGTCTAGTTGGGGAGAGGTTTCCAGTAGGGTCCCAC-3'